The following is an entry in ClinVar:

NM_003594.4(TTF2):c.1490G>A (p.Arg497His)

Gene: TTF2 (transcription termination factor 2; plus strand). Cytogenetic location: 1p13.1.
Variant type: single nucleotide variant.
Coding change: c.1490G>A on transcript NM_003594.4 (MANE Select); coding-DNA position 1490, G replaced by A.
Protein change: p.Arg497His; replaces arginine 497 with histidine.
Molecular consequence: missense variant.
Genome position (GRCh38, 1-based): chr1:117,076,740, G>A. VCF-style: chr1-117076740-G-A. GRCh37 (hg19) VCF-style: chr1-117619362-G-A.
Other names: short protein forms R497H.
Identifiers: ClinVar variation 781584 (VCV000781584.29), dbSNP rs139705346, ClinGen allele CA1029146.
Genomic context (GRCh38, chr1:117,076,740, plus strand): 5'-GTCACTTCACCAAAACTACCACTGGCCCTCCCCACCTGGTGCCTCCCCAACCCCTTCCTC[G>A]TCGTGGTACCCAACCTGTGGGTTCTCTAGAACTAAAGTCTGCCTGCCAGGTGACTGCTGG-3'
Protein context (NP_003585.3, residues 487-507): PHLVPPQPLP[Arg497His]RGTQPVGSLE

ClinVar aggregate classification (germline): Benign/Likely benign. Review status: criteria provided, multiple submitters, no conflicts (2 of 4 stars). 3 submissions from 3 submitters: Benign (2); Likely benign (1). Last evaluated 2023-03-01.

Allele frequency attached by ClinVar (database versions not stated): 1000 Genomes Project 0.00100; 1000 Genomes Project 30x 0.00125; TOPMed 0.00401; gnomAD exomes 0.00438; gnomAD 0.00440 and 0.00448; ExAC 0.00449; ESP Exome Variant Server 0.00515.
gnomAD v4.1: 9,125 of 1,613,930 alleles (0.57%); highest among the groups gnomAD compares: Middle Eastern, 0.68%; 35 homozygotes.

Submissions (3):

CeGaT Center for Human Genetics Tuebingen
Classification: Likely benign. Last evaluated: 2023-03-01. Review status: criteria provided, single submitter. Criteria: CeGaT Center For Human Genetics Tuebingen Variant Classification Criteria Version 2. Collection method: clinical testing. Allele origin: germline. Affected: yes. Observed: 2 variant alleles.
Comment: TTF2: BP4, BS2

Labcorp Genetics (formerly Invitae), Labcorp
Classification: Benign. Last evaluated: 2019-12-31. Review status: criteria provided, single submitter. Criteria: Invitae Variant Classification Sherloc (09022015). Collection method: clinical testing. Allele origin: germline.

Breakthrough Genomics
Classification: Benign. Review status: criteria provided, single submitter. Criteria: ACMG Guidelines, 2015. Collection method: not provided. Allele origin: germline. Inheritance: Unknown mechanism. Affected: yes.